The following is an entry in ClinVar:

NM_002335.4(LRP5):c.1827C>T (p.Asn609=)

Gene: LRP5 (LDL receptor related protein 5; plus strand). Cytogenetic location: 11q13.2.
Variant type: single nucleotide variant.
Coding change: c.1827C>T on transcript NM_002335.4 (MANE Select); coding-DNA position 1827, C replaced by T.
Protein change: p.Asn609=; no amino-acid change (asparagine 609 retained).
Molecular consequence: synonymous variant.
Genome position (GRCh38, 1-based): chr11:68,406,549, C>T. VCF-style: chr11-68406549-C-T. GRCh37 (hg19) VCF-style: chr11-68174017-C-T.
Other names: c.84C>T, p.Asn28= (NM_001291902.2).
Identifiers: ClinVar variation 754230 (VCV000754230.11), dbSNP rs778446537, ClinGen allele CA6149468.

ClinVar aggregate classification (germline): Likely benign. Review status: criteria provided, multiple submitters, no conflicts (2 of 4 stars). 3 submissions from 3 submitters: Likely benign (2). 1 of the submissions does not count toward it. Last evaluated 2026-01-06.

Conditions:
LRP5-related disorder. Also called: LRP5-related condition.

Allele frequency attached by ClinVar (database versions not stated): ExAC 0.00004; gnomAD exomes 0.00004; TOPMed 0.00004; gnomAD 0.00005 and 0.00006.
gnomAD v4.1: 75 of 1,614,000 alleles (0.0046%); highest among the groups gnomAD compares: Middle Eastern, 0.066%; no homozygotes.

Submissions (3):

Women's Health and Genetics/Laboratory Corporation of America, LabCorp
Classification: Likely benign. Last evaluated: 2026-01-06. Review status: criteria provided, single submitter. Criteria: LabCorp Variant Classification Summary - May 2015. Collection method: clinical testing. Allele origin: germline.

Labcorp Genetics (formerly Invitae), Labcorp
Classification: Likely benign. Last evaluated: 2024-12-26. Review status: criteria provided, single submitter. Criteria: Invitae Variant Classification Sherloc (09022015). Collection method: clinical testing. Allele origin: germline.

PreventionGenetics, part of Exact Sciences
Classification: Likely benign for LRP5-related condition. Last evaluated: 2023-03-02. Review status: no assertion criteria provided. Collection method: clinical testing. Allele origin: germline. Not counted in ClinVar's aggregate classification.
Comment: This variant is classified as likely benign based on ACMG/AMP sequence variant interpretation guidelines (Richards et al. 2015 PMID: 25741868, with internal and published modifications).